The following is an entry in ClinVar:

NM_182641.4(BPTF):c.3634G>T (p.Asp1212Tyr)

Gene: BPTF (bromodomain PHD finger transcription factor; plus strand). Cytogenetic location: 17q24.2.
Variant type: single nucleotide variant.
Coding change: c.3634G>T on transcript NM_182641.4 (MANE Select); coding-DNA position 3634, G replaced by T.
Protein change: p.Asp1212Tyr; replaces aspartic acid 1212 with tyrosine.
Molecular consequence: missense variant.
Genome position (GRCh38, 1-based): chr17:67,911,518, G>T. VCF-style: chr17-67911518-G-T. GRCh37 (hg19) VCF-style: chr17-65907634-G-T.
Other names: c.4012G>T, p.Asp1338Tyr (NM_004459.7); c.3634G>T (NM_182641.3); short protein forms D1212Y, D1338Y.
Identifiers: ClinVar variation 2896675 (VCV002896675.3), dbSNP rs774339828, ClinGen allele CA8725666.

ClinVar aggregate classification (germline): Uncertain significance. Review status: criteria provided, multiple submitters, no conflicts (2 of 4 stars). 2 submissions from 2 submitters: Uncertain significance (2). Last evaluated 2025-03-20.

Conditions:
Inborn genetic diseases. Identifiers: MedGen C0950123, MeSH D030342.

Allele frequency attached by ClinVar (database versions not stated): gnomAD exomes below 0.00001; ExAC 0.00001; gnomAD 0.00001; TOPMed 0.00001.
gnomAD v4.1: 4 of 1,613,354 alleles (0.00025%); highest among the groups gnomAD compares: African/African-American, 0.0027%; no homozygotes.

Submissions (2):

Ambry Genetics
Classification: Uncertain significance for Inborn genetic diseases. Last evaluated: 2025-03-20. Review status: criteria provided, single submitter. Criteria: Ambry Variant Classification Scheme 2023. Collection method: clinical testing. Allele origin: germline.

Labcorp Genetics (formerly Invitae), Labcorp
Classification: Uncertain significance. Last evaluated: 2023-03-27. Review status: criteria provided, single submitter. Criteria: Invitae Variant Classification Sherloc (09022015). Collection method: clinical testing. Allele origin: germline.
Comment: This sequence change replaces aspartic acid, which is acidic and polar, with tyrosine, which is neutral and polar, at codon 1338 of the BPTF protein (p.Asp1338Tyr). This variant is not present in population databases (gnomAD no frequency). This variant has not been reported in the literature in individuals affected with BPTF-related conditions. An algorithm developed to predict the effect of missense changes on protein structure and function (PolyPhen-2) suggests that this variant is likely to be disruptive. In summary, the available evidence is currently insufficient to determine the role of this variant in disease. Therefore, it has been classified as a Variant of Uncertain Significance.